The following is an entry in ClinVar:

ClinVar aggregate classification (germline): Uncertain significance. Review status: criteria provided, multiple submitters, no conflicts (2 of 4 stars). 3 submissions from 3 submitters: Uncertain significance (3). Last evaluated 2024-02-23.

Conditions:
Hereditary cancer-predisposing syndrome. Also called: Hereditary Cancer Syndrome; Hereditary neoplastic syndrome; Neoplastic Syndromes, Hereditary; Tumor predisposition. Identifiers: Orphanet 140162, MedGen C0027672, MeSH D009386, MONDO:0015356.
Familial cancer of breast. Also called: BREAST CANCER, FAMILIAL; hereditary breast carcinoma; Hereditary breast cancer. Identifiers: Orphanet 227535, MedGen C0346153, MONDO:0016419, OMIM 114480. Disease mechanism: loss of function.

Submissions (3):

Baylor Genetics
Classification: Uncertain significance for Familial cancer of breast. Last evaluated: 2024-02-23. Review status: criteria provided, single submitter. Criteria: ACMG Guidelines, 2015. Collection method: clinical testing. Allele origin: unknown.

Labcorp Genetics (formerly Invitae), Labcorp
Classification: Uncertain significance for Familial cancer of breast. Last evaluated: 2023-11-09. Review status: criteria provided, single submitter. Criteria: Invitae Variant Classification Sherloc (09022015). Collection method: clinical testing. Allele origin: germline.
Comment: This sequence change replaces lysine, which is basic and polar, with arginine, which is basic and polar, at codon 204 of the BARD1 protein (p.Lys204Arg). This variant is not present in population databases (gnomAD no frequency). This variant has not been reported in the literature in individuals affected with BARD1-related conditions. ClinVar contains an entry for this variant (Variation ID: 1751709). Algorithms developed to predict the effect of missense changes on protein structure and function output the following: SIFT: "Not Available"; PolyPhen-2: "Benign"; Align-GVGD: "Not Available". The arginine amino acid residue is found in multiple mammalian species, which suggests that this missense change does not adversely affect protein function. In summary, the available evidence is currently insufficient to determine the role of this variant in disease. Therefore, it has been classified as a Variant of Uncertain Significance.

Ambry Genetics
Classification: Uncertain significance for Hereditary cancer-predisposing syndrome. Last evaluated: 2022-10-19. Review status: criteria provided, single submitter. Criteria: Ambry Variant Classification Scheme 2023. Collection method: clinical testing. Allele origin: germline.
Comment: The p.K204R variant (also known as c.611A>G), located in coding exon 4 of the BARD1 gene, results from an A to G substitution at nucleotide position 611. The lysine at codon 204 is replaced by arginine, an amino acid with highly similar properties. This amino acid position is conserved. In addition, this alteration is predicted to be tolerated by in silico analysis. Since supporting evidence is limited at this time, the clinical significance of this alteration remains unclear.

NM_000465.4(BARD1):c.611A>G (p.Lys204Arg)

Gene: BARD1 (BRCA1 associated RING domain 1; minus strand). Cytogenetic location: 2q35.
Variant type: single nucleotide variant.
Coding change: c.611A>G on transcript NM_000465.4 (MANE Select); coding-DNA position 611, A replaced by G.
Protein change: p.Lys204Arg; replaces lysine 204 with arginine.
Molecular consequence: missense variant. On other transcripts: non-coding transcript variant (2), intron variant (3).
Genome position (GRCh38, 1-based): chr2:214,781,263, T>C on the plus strand (A>G on the coding strand, the complement: BARD1 is on the minus strand). VCF-style: chr2-214781263-T-C. GRCh37 (hg19) VCF-style: chr2-215645987-T-C.
Other names: c.554A>G, p.Lys185Arg (NM_001282543.2); c.158+28149A>G (NM_001282548.2); c.215+15798A>G (NM_001282545.2); c.364+11034A>G (NM_001282549.2); short protein forms K204R, K185R.
Identifiers: ClinVar variation 1751709 (VCV001751709.6), dbSNP rs2469511198, ClinGen allele CA350456713.